The following is an entry in ClinVar:

ClinVar aggregate classification (germline): Uncertain significance. Review status: criteria provided, multiple submitters, no conflicts (2 of 4 stars). 3 submissions from 3 submitters: Uncertain significance (3). Last evaluated 2024-12-23.

Conditions:
Floating-Harbor syndrome (FLHS). Also called: Short stature with delayed bone age, expressive language delay, a triangular face with a prominent nose and deep-set eyes; Pelletier-Leisti syndrome; SRCAP-Related Floating-Harbor Syndrome. Identifiers: Orphanet 2044, MedGen C0729582, MONDO:0007621, OMIM 136140.
Developmental delay, hypotonia, musculoskeletal defects, and behavioral abnormalities. Identifiers: MedGen C5562012, MONDO:0859202, OMIM 619595.
Inborn genetic diseases. Identifiers: MedGen C0950123, MeSH D030342.

Allele frequency attached by ClinVar (database versions not stated): gnomAD 0.00005 and 0.00007; TOPMed 0.00006; ExAC 0.00008; ESP Exome Variant Server 0.00008; gnomAD exomes 0.00010 and 0.00011.
gnomAD v4.1: 173 of 1,614,212 alleles (0.011%); highest among the groups gnomAD compares: South Asian, 0.053%; no homozygotes.

Submissions (3):

Labcorp Genetics (formerly Invitae), Labcorp
Classification: Uncertain significance. Last evaluated: 2024-12-23. Review status: criteria provided, single submitter. Criteria: Invitae Variant Classification Sherloc (09022015). Collection method: clinical testing. Allele origin: germline.
Comment: This sequence change replaces serine, which is neutral and polar, with leucine, which is neutral and non-polar, at codon 1826 of the SRCAP protein (p.Ser1826Leu). This variant is present in population databases (rs374858506, gnomAD 0.04%), and has an allele count higher than expected for a pathogenic variant. This variant has not been reported in the literature in individuals affected with SRCAP-related conditions. ClinVar contains an entry for this variant (Variation ID: 1501065). Invitae Evidence Modeling of protein sequence and biophysical properties (such as structural, functional, and spatial information, amino acid conservation, physicochemical variation, residue mobility, and thermodynamic stability) indicates that this missense variant is not expected to disrupt SRCAP protein function with a negative predictive value of 80%. In summary, the available evidence is currently insufficient to determine the role of this variant in disease. Therefore, it has been classified as a Variant of Uncertain Significance.

Fulgent Genetics
Classification: Uncertain significance for Floating-Harbor syndrome; Developmental delay, hypotonia, musculoskeletal defects, and behavioral abnormalities. Last evaluated: 2021-11-23. Review status: criteria provided, single submitter. Criteria: ACMG Guidelines, 2015. Collection method: clinical testing. Allele origin: unknown.

Ambry Genetics
Classification: Uncertain significance for Inborn genetic diseases. Last evaluated: 2021-08-31. Review status: criteria provided, single submitter. Criteria: Ambry Variant Classification Scheme 2023. Collection method: clinical testing. Allele origin: germline.

NM_006662.3(SRCAP):c.5477C>T (p.Ser1826Leu)

Gene: SRCAP (Snf2 related CREBBP activator protein; plus strand). Cytogenetic location: 16p11.2.
Variant type: single nucleotide variant.
Coding change: c.5477C>T on transcript NM_006662.3 (MANE Select); coding-DNA position 5477, C replaced by T.
Protein change: p.Ser1826Leu; replaces serine 1826 with leucine.
Molecular consequence: missense variant.
Genome position (GRCh38, 1-based): chr16:30,724,901, C>T. VCF-style: chr16-30724901-C-T. GRCh37 (hg19) VCF-style: chr16-30736222-C-T.
Other names: c.5477C>T (NM_006662.2); short protein forms S1826L.
Identifiers: ClinVar variation 1501065 (VCV001501065.10), dbSNP rs374858506, ClinGen allele CA8011982.